The following is an entry in ClinVar:

ClinVar aggregate classification (germline): Uncertain significance (1 of 4 stars; one submission).

Allele frequency attached by ClinVar (database versions not stated): gnomAD exomes below 0.00001.
gnomAD v4.1: 1 of 1,614,164 alleles (0.000062%); highest among the groups gnomAD compares: Non-Finnish European, 0.000085%; no homozygotes.

Submission:

Labcorp Genetics (formerly Invitae), Labcorp
Classification: Uncertain significance. Last evaluated: 2023-03-12. Review status: criteria provided, single submitter. Criteria: Invitae Variant Classification Sherloc (09022015). Collection method: clinical testing. Allele origin: germline.
Comment: This sequence change replaces serine, which is neutral and polar, with threonine, which is neutral and polar, at codon 2741 of the KMT2A protein (p.Ser2741Thr). This variant is not present in population databases (gnomAD no frequency). In summary, the available evidence is currently insufficient to determine the role of this variant in disease. Therefore, it has been classified as a Variant of Uncertain Significance. Advanced modeling of protein sequence and biophysical properties (such as structural, functional, and spatial information, amino acid conservation, physicochemical variation, residue mobility, and thermodynamic stability) performed at Invitae indicates that this missense variant is not expected to disrupt KMT2A protein function. ClinVar contains an entry for this variant (Variation ID: 1722176). This variant has not been reported in the literature in individuals affected with KMT2A-related conditions.

NM_001197104.2(KMT2A):c.8222G>C (p.Ser2741Thr)

Gene: KMT2A (lysine methyltransferase 2A; plus strand). Cytogenetic location: 11q23.3.
Variant type: single nucleotide variant.
Coding change: c.8222G>C on transcript NM_001197104.2 (MANE Select); coding-DNA position 8222, G replaced by C.
Protein change: p.Ser2741Thr; replaces serine 2741 with threonine.
Molecular consequence: missense variant.
Genome position (GRCh38, 1-based): chr11:118,504,114, G>C. VCF-style: chr11-118504114-G-C. GRCh37 (hg19) VCF-style: chr11-118374829-G-C.
Other names: c.8312G>C, p.Ser2771Thr (NM_001412597.1); c.8213G>C, p.Ser2738Thr (NM_005933.4); short protein forms S2738T, S2741T, S2771T.
Identifiers: ClinVar variation 1722176 (VCV001722176.5), dbSNP rs112089616, ClinGen allele CA229527403.